The following is an entry in ClinVar:

ClinVar aggregate classification (germline): Benign. Review status: criteria provided, multiple submitters, no conflicts (2 of 4 stars). 4 submissions from 4 submitters: Benign (4). Last evaluated 2026-02-04.

Conditions:
Myopathy, centronuclear, 2 (CNM2). Also called: MYOTUBULAR MYOPATHY, AUTOSOMAL RECESSIVE. Identifiers: Orphanet 169186, MedGen CN031787, MONDO:0009709, OMIM 255200.

Allele frequency attached by ClinVar (database versions not stated): ExAC 0.07002; 1000 Genomes Project 0.09625; ESP Exome Variant Server 0.02622; TOPMed 0.04698; gnomAD 0.04714; 1000 Genomes Project 30x 0.09619.
gnomAD v4.1: 62,044 of 1,613,712 alleles (3.8%); highest among the groups gnomAD compares: Admixed American, 17%; 2,823 homozygotes.

Submissions (4):

Labcorp Genetics (formerly Invitae), Labcorp
Classification: Benign for Myopathy, centronuclear, 2. Last evaluated: 2026-02-04. Review status: criteria provided, single submitter. Criteria: Invitae Variant Classification Sherloc (09022015). Collection method: clinical testing. Allele origin: germline.

GeneDx
Classification: Benign. Last evaluated: 2016-02-18. Review status: criteria provided, single submitter. Criteria: GeneDx Variant Classification (06012015). Collection method: clinical testing. Allele origin: germline. Affected: yes.
Comment: This variant is considered likely benign or benign based on one or more of the following criteria: it is a conservative change, it occurs at a poorly conserved position in the protein, it is predicted to be benign by multiple in silico algorithms, and/or has population frequency not consistent with disease.

Breakthrough Genomics
Classification: Benign. Review status: criteria provided, single submitter. Criteria: ACMG Guidelines, 2015. Collection method: not provided. Allele origin: germline. Inheritance: Autosomal recessive inheritance. Affected: yes.

PreventionGenetics, part of Exact Sciences
Classification: Benign. Review status: criteria provided, single submitter. Criteria: ACMG Guidelines, 2015. Collection method: clinical testing. Allele origin: germline.

NM_139343.3(BIN1):c.1573-18G>C

Gene: BIN1 (bridging integrator 1; minus strand). Cytogenetic location: 2q14.3.
Variant type: single nucleotide variant.
Coding change: c.1573-18G>C on transcript NM_139343.3 (MANE Select); 18 bases into the intron before coding-DNA position 1573, G replaced by C.
Molecular consequence: intron variant.
Genome position (GRCh38, 1-based): chr2:127,050,540, C>G on the plus strand (G>C on the coding strand, the complement: BIN1 is on the minus strand). VCF-style: chr2-127050540-C-G. GRCh37 (hg19) VCF-style: chr2-127808116-C-G.
Other names: c.1492-18G>C (NM_001320642.1); c.949-18G>C (NM_001320634.1); c.1021-18G>C (NM_139351.3); c.1111-18G>C (NM_139350.3); c.1219-18G>C (NM_139349.3); c.1240-18G>C (NM_139348.3); c.1348-18G>C (NM_139347.3); c.1480-18G>C (NM_001320641.2); and 7 more.
Identifiers: ClinVar variation 262474 (VCV000262474.10), dbSNP rs12466912, ClinGen allele CA1856980.